The following is an entry in ClinVar:

NM_013265.4(VPS51):c.1161C>T (p.Ala387=)

Gene: VPS51 (VPS51 subunit of GARP complex; plus strand). Cytogenetic location: 11q13.1.
Variant type: single nucleotide variant.
Coding change: c.1161C>T on transcript NM_013265.4 (MANE Select); coding-DNA position 1161, C replaced by T.
Protein change: p.Ala387=; no amino-acid change (alanine 387 retained).
Molecular consequence: synonymous variant. On other transcripts: non-coding transcript variant (1).
Genome position (GRCh38, 1-based): chr11:65,108,632, C>T. VCF-style: chr11-65108632-C-T. GRCh37 (hg19) VCF-style: chr11-64876104-C-T.
Identifiers: ClinVar variation 3052837 (VCV003052837.2), dbSNP rs765044804, ClinGen allele CA6090499.

ClinVar aggregate classification (germline): Likely benign (0 of 4 stars; one submission).

Conditions:
VPS51-related disorder. Also called: VPS51-related condition.

Allele frequency attached by ClinVar (database versions not stated): gnomAD 0.00001; gnomAD exomes 0.00002.
gnomAD v4.1: 23 of 1,530,044 alleles (0.0015%); highest among the groups gnomAD compares: South Asian, 0.025%; no homozygotes.

Submission:

PreventionGenetics, part of Exact Sciences
Classification: Likely benign for VPS51-related condition. Last evaluated: 2022-10-25. Review status: no assertion criteria provided. Collection method: clinical testing. Allele origin: germline.
Comment: This variant is classified as likely benign based on ACMG/AMP sequence variant interpretation guidelines (Richards et al. 2015 PMID: 25741868, with internal and published modifications).